The following is an entry in ClinVar:

ClinVar aggregate classification (germline): Uncertain significance (1 of 4 stars; one submission).

Conditions:
Hereditary cancer-predisposing syndrome. Also called: Neoplastic Syndromes, Hereditary; Tumor predisposition; Hereditary Cancer Syndrome; Hereditary neoplastic syndrome. Identifiers: Orphanet 140162, MedGen C0027672, MeSH D009386, MONDO:0015356.

Submission:

Ambry Genetics
Classification: Uncertain significance for Hereditary cancer-predisposing syndrome. Last evaluated: 2024-10-21. Review status: criteria provided, single submitter. Criteria: Ambry Variant Classification Scheme 2023. Collection method: clinical testing. Allele origin: germline.
Comment: The p.E18Q variant (also known as c.52G>C), located in coding exon 1 of the RAD50 gene, results from a G to C substitution at nucleotide position 52. The glutamic acid at codon 18 is replaced by glutamine, an amino acid with highly similar properties. This amino acid position is conserved. In addition, this alteration is predicted to be tolerated by in silico analysis. Based on the available evidence, the clinical significance of this variant remains unclear.

NM_005732.4(RAD50):c.52G>C (p.Glu18Gln)

Gene: RAD50 (RAD50 double strand break repair protein; plus strand). Cytogenetic location: 5q31.1.
Variant type: single nucleotide variant.
Coding change: c.52G>C on transcript NM_005732.4 (MANE Select); coding-DNA position 52, G replaced by C.
Protein change: p.Glu18Gln; replaces glutamic acid 18 with glutamine.
Molecular consequence: missense variant.
Genome position (GRCh38, 1-based): chr5:132,557,376, G>C. VCF-style: chr5-132557376-G-C. GRCh37 (hg19) VCF-style: chr5-131893068-G-C.
Other names: short protein forms E18Q.
Identifiers: ClinVar variation 3429518 (VCV003429518.1).